The following is an entry in ClinVar:

NM_030948.6(PHACTR1):c.1727+38C>T

Genes: PHACTR1 (phosphatase and actin regulator 1; plus strand), TBC1D7-LOC100130357 (TBC1D7-LOC100130357 readthrough; minus strand), LOC100130357 (uncharacterized LOC100130357; minus strand). Cytogenetic location: 6p24.1.
Variant type: single nucleotide variant.
Coding change: c.1727+38C>T on transcript NM_030948.6 (MANE Select); 38 bases into the intron after coding-DNA position 1727, C replaced by T.
Molecular consequence: intron variant. On other transcripts: nonsense (2).
Genome position (GRCh38, 1-based): chr6:13,286,260, C>T. VCF-style: chr6-13286260-C-T. GRCh37 (hg19) VCF-style: chr6-13286492-C-T.
Other names: c.1765C>T, p.Gln589Ter (NM_001374581.2); c.1489C>T, p.Gln497Ter (NM_001374583.2); c.1727+38C>T (NM_001242648.4, NM_001322308.3, NM_001322309.3); c.1934+38C>T (NM_001322310.2); c.1658+38C>T (NM_001322313.2); c.1451+38C>T (NM_001322312.3, NM_001322311.2); c.1937+38C>T (NM_001322314.4); c.*40-18425G>A (NM_001318809.2); short protein forms Q497*, Q589*.
Identifiers: ClinVar variation 4873379 (VCV004873379.2).

ClinVar aggregate classification (germline): Likely benign (1 of 4 stars; one submission).

gnomAD v4.1: 47 of 1,483,968 alleles (0.0032%); highest among the groups gnomAD compares: Middle Eastern, 0.07%; no homozygotes.

Submission:

CeGaT Center for Human Genetics Tuebingen
Classification: Likely benign. Last evaluated: 2026-06-01. Review status: criteria provided, single submitter. Criteria: CeGaT Center For Human Genetics Tuebingen Variant Classification Criteria Version 2. Collection method: clinical testing. Allele origin: germline. Affected: yes. Observed: 1 variant allele.
Comment: PHACTR1: BS2